The following is an entry in ClinVar:

NM_001368894.2(PAX6):c.598_599insCC (p.Asn200fs)

Gene: PAX6 (paired box 6; minus strand). Cytogenetic location: 11p13.
Variant type: Insertion.
Coding change: c.598_599insCC on transcript NM_001368894.2 (MANE Select); coding-DNA positions 598 to 599, CC inserted.
Protein change: p.Asn200fs; shifts the reading frame from asparagine 200.
Molecular consequence: frameshift variant. On other transcripts: 5 prime UTR variant (1), non-coding transcript variant (2).
Genome position: GRCh38 VCF-style: chr11-31794755-T-TGG. GRCh37 (hg19) VCF-style: chr11-31816303-T-TGG.
Other names: c.556_557insCC, p.Asn186fs (NM_000280.6, NM_001127612.3, NM_001258464.2 and 10 more transcripts); c.598_599insCC, p.Asn200fs (NM_001258462.3, NM_001258463.2, NM_001310158.2 and 6 more transcripts); c.148_149insCC, p.Asn50fs (NM_001310160.2, NM_001310161.3, NM_001368899.2 and 11 more transcripts); c.799_800insCC, p.Asn267fs (NM_001368910.2); c.601_602insCC, p.Asn201fs (NM_001368911.2); c.673_674insCC, p.Asn225fs (NM_001368918.2, NM_001368919.2); c.631_632insCC, p.Asn211fs (NM_001368920.2); c.397_398insCC, p.Asn133fs (NM_001368921.2, NM_001368922.2, NM_001368923.2 and 4 more transcripts); and 2 more; short protein forms N201fs, N211fs, N225fs, N119fs, N133fs, N267fs, N200fs, N186fs.
Identifiers: ClinVar variation 2018943 (VCV002018943.4), dbSNP rs2495319282, ClinGen allele CA2580082908.

ClinVar aggregate classification (germline): Pathogenic (1 of 4 stars; one submission).

Conditions:
Aniridia 1 (AN1). Identifiers: Orphanet 250923, MedGen C0344542, MONDO:0024507, OMIM 106210.
Irido-corneo-trabecular dysgenesis (ASGD5). Also called: ANTERIOR SEGMENT DYSGENESIS 5. Identifiers: Orphanet 708, MedGen C0344559, MONDO:0011414, OMIM 604229, HP:0000659.

Submission:

Labcorp Genetics (formerly Invitae), Labcorp
Classification: Pathogenic for Aniridia 1; Irido-corneo-trabecular dysgenesis. Last evaluated: 2022-07-22. Review status: criteria provided, single submitter. Criteria: Invitae Variant Classification Sherloc (09022015). Collection method: clinical testing. Allele origin: germline.
Comment: For these reasons, this variant has been classified as Pathogenic. This variant has not been reported in the literature in individuals affected with PAX6-related conditions. This variant is not present in population databases (gnomAD no frequency). This sequence change creates a premature translational stop signal (p.Asn186Thrfs*22) in the PAX6 gene. It is expected to result in an absent or disrupted protein product. Loss-of-function variants in PAX6 are known to be pathogenic (PMID: 12634864).

Literature cited by the submitters: PubMed 12634864.